The following is an entry in ClinVar:

NM_015215.4(CAMTA1):c.1617C>T (p.Phe539=)

Gene: CAMTA1 (calmodulin binding transcription activator 1; plus strand). Cytogenetic location: 1p36.23.
Variant type: single nucleotide variant.
Coding change: c.1617C>T on transcript NM_015215.4 (MANE Select); coding-DNA position 1617, C replaced by T.
Protein change: p.Phe539=; no amino-acid change (phenylalanine 539 retained).
Molecular consequence: synonymous variant.
Genome position (GRCh38, 1-based): chr1:7,664,164, C>T. VCF-style: chr1-7664164-C-T. GRCh37 (hg19) VCF-style: chr1-7724224-C-T.
Other names: p.Phe539=; c.1527C>T, p.Phe509= (NM_001349608.2, NM_001349612.2); c.1617C>T, p.Phe539= (NM_001349609.2, NM_001349610.2, NM_001410737.1); c.1545C>T, p.Phe515= (NM_001410738.1).
Identifiers: ClinVar variation 4684559 (VCV004684559.1).
Genomic context (GRCh38, chr1:7,664,164, plus strand): 5'-GCGGAGCTTCAGCTTTACCACCGTCCTCACCAAGGAGATCAAGACCGAGGACACCTCCTT[C>T]GAGCAGCAGATGGCCAAAGAAGCGTACTCCTCCTCCGCGGCGGCTGTGGCAGCCAGCTCC-3'
Protein context (NP_056030.1, residues 529-549): TKEIKTEDTS[Phe539=]EQQMAKEAYS

ClinVar aggregate classification (germline): Likely benign (1 of 4 stars; one submission).

gnomAD v4.1: 15 of 1,612,830 alleles (0.00093%); highest among the groups gnomAD compares: South Asian, 0.0044%; no homozygotes.

Submission:

Mayo Clinic Laboratories, Mayo Clinic
Classification: Likely benign. Last evaluated: 2025-02-11. Review status: criteria provided, single submitter. Criteria: ACMG Guidelines, 2015. Collection method: clinical testing. Allele origin: germline. Observed: 1 variant allele.
Comment: BS2, BP4, BP7